The following is an entry in ClinVar:

NM_152703.5(SAMD9L):c.4413G>T (p.Gln1471His)

Gene: SAMD9L (sterile alpha motif domain containing 9 like; minus strand). Cytogenetic location: 7q21.2.
Variant type: single nucleotide variant.
Coding change: c.4413G>T on transcript NM_152703.5 (MANE Select); coding-DNA position 4413, G replaced by T.
Protein change: p.Gln1471His; replaces glutamine 1471 with histidine.
Molecular consequence: missense variant.
Genome position (GRCh38, 1-based): chr7:93,131,559, C>A on the plus strand (G>T on the coding strand, the complement: SAMD9L is on the minus strand). VCF-style: chr7-93131559-C-A. GRCh37 (hg19) VCF-style: chr7-92760872-C-A.
Other names: c.4413G>T, p.Gln1471His (NM_001303496.3, NM_001303497.3, NM_001303498.3 and 5 more transcripts); short protein forms Q1471H.
Identifiers: ClinVar variation 5028867 (VCV005028867.1).

ClinVar aggregate classification (germline): Uncertain significance (1 of 4 stars; one submission).

Conditions:
Inborn genetic diseases. Identifiers: MedGen C0950123, MeSH D030342.

gnomAD v4.1: 2 of 1,613,830 alleles (0.00012%); highest among the groups gnomAD compares: African/African-American, 0.0027%; no homozygotes.

Submission:

Ambry Genetics
Classification: Uncertain significance for Inborn genetic diseases. Last evaluated: 2026-07-04. Review status: criteria provided, single submitter. Criteria: Ambry Variant Classification Scheme 2023. Collection method: clinical testing. Allele origin: germline.
Comment: The p.Q1471H variant (also known as c.4413G>T), located in coding exon 1 of the SAMD9L gene, results from a G to T substitution at nucleotide position 4413. The glutamine at codon 1471 is replaced by histidine, an amino acid with highly similar properties. This amino acid position is conserved. In addition, this alteration is predicted to be tolerated by in silico analysis. Based on the available evidence, the clinical significance of this variant remains unclear.